The following is an entry in ClinVar:

ClinVar aggregate classification (germline): Uncertain significance (1 of 4 stars; one submission).

Conditions:
Candidiasis, familial, 6 (CANDF6). Also called: Candidiasis, familial, 6, autosomal dominant. Identifiers: Orphanet 1334, MedGen C3151405, MONDO:0013503, OMIM 613956.

Submission:

Labcorp Genetics (formerly Invitae), Labcorp
Classification: Uncertain significance for Candidiasis, familial, 6. Last evaluated: 2024-10-29. Review status: criteria provided, single submitter. Criteria: Invitae Variant Classification Sherloc (09022015). Collection method: clinical testing. Allele origin: germline.
Comment: This sequence change replaces lysine, which is basic and polar, with glutamic acid, which is acidic and polar, at codon 13 of the IL17F protein (p.Lys13Glu). This variant is not present in population databases (gnomAD no frequency). This variant has not been reported in the literature in individuals affected with IL17F-related conditions. ClinVar contains an entry for this variant (Variation ID: 844625). An algorithm developed to predict the effect of missense changes on protein structure and function outputs the following: PolyPhen-2: "Benign". The glutamic acid amino acid residue is found in multiple mammalian species, which suggests that this missense change does not adversely affect protein function. In summary, the available evidence is currently insufficient to determine the role of this variant in disease. Therefore, it has been classified as a Variant of Uncertain Significance.

NM_052872.4(IL17F):c.37A>G (p.Lys13Glu)

Gene: IL17F (interleukin 17F; minus strand). Cytogenetic location: 6p12.2.
Variant type: single nucleotide variant.
Coding change: c.37A>G on transcript NM_052872.4 (MANE Select); coding-DNA position 37, A replaced by G.
Protein change: p.Lys13Glu; replaces lysine 13 with glutamic acid.
Molecular consequence: missense variant.
Genome position (GRCh38, 1-based): chr6:52,238,947, T>C on the plus strand (A>G on the coding strand, the complement: IL17F is on the minus strand). VCF-style: chr6-52238947-T-C. GRCh37 (hg19) VCF-style: chr6-52103745-T-C.
Other names: short protein forms K13E.
Identifiers: ClinVar variation 844625 (VCV000844625.9), dbSNP rs1764019547, ClinGen allele CA364445320.